The following is an entry in ClinVar:

NM_004655.4(AXIN2):c.816-14T>C

Gene: AXIN2 (axin 2; minus strand). Cytogenetic location: 17q24.1.
Variant type: single nucleotide variant.
Coding change: c.816-14T>C on transcript NM_004655.4 (MANE Select); 14 bases into the intron before coding-DNA position 816, T replaced by C.
Molecular consequence: intron variant.
Genome position (GRCh38, 1-based): chr17:65,549,674, A>G on the plus strand (T>C on the coding strand, the complement: AXIN2 is on the minus strand). VCF-style: chr17-65549674-A-G. GRCh37 (hg19) VCF-style: chr17-63545792-A-G.
Other names: c.816-14T>C (NM_001363813.1).
Identifiers: ClinVar variation 3254306 (VCV003254306.1), dbSNP rs2544218943.

ClinVar aggregate classification (germline): Likely benign (1 of 4 stars; one submission).

Conditions:
Oligodontia-cancer predisposition syndrome. Also called: TOOTH AGENESIS-COLORECTAL CANCER SYNDROME. Identifiers: Orphanet 300576, MedGen C1837750, MONDO:0012075, OMIM 608615. Disease mechanism: loss of function.

Submission:

Myriad Genetics, Inc.
Classification: Likely benign for Oligodontia-cancer predisposition syndrome. Last evaluated: 2024-06-27. Review status: criteria provided, single submitter. Criteria: Myriad Autosomal Dominant, Autosomal Recessive and X-Linked Classification Criteria (2023). Collection method: clinical testing. Allele origin: unknown.
Comment: This variant is considered likely benign. This variant is intronic and is not expected to impact mRNA splicing.